The following is an entry in ClinVar:

ClinVar aggregate classification (germline): Benign (1 of 4 stars; one submission).

Allele frequency attached by ClinVar (database versions not stated): 1000 Genomes Project 30x 0.00812; 1000 Genomes Project 0.00859; TOPMed 0.01263; gnomAD 0.01301; ExAC 0.01349; ESP Exome Variant Server 0.01469; gnomAD exomes 0.01818.
gnomAD v4.1: 28,473 of 1,613,542 alleles (1.8%); highest among the groups gnomAD compares: Middle Eastern, 2.2%; 316 homozygotes.

Submissions (28):

CeGaT Center for Human Genetics Tuebingen
Classification: Benign. Last evaluated: 2023-02-01. Review status: criteria provided, single submitter. Criteria: CeGaT Center For Human Genetics Tuebingen Variant Classification Criteria Version 2. Collection method: clinical testing. Allele origin: germline. Affected: yes. Observed: 1 variant allele.
Comment: MMP10: BS1, BS2; WTAPP1: BS1, BS2

Dr. Peter K. Rogan Lab, Western University
No classification provided (evidence only). Condition: Lung cancer. Review status: no classification provided. Collection method: in vitro. Allele origin: not applicable. Functional consequence: skipped exon. Not counted in ClinVar's aggregate classification.

Dr. Peter K. Rogan Lab, Western University
No classification provided (evidence only). Condition: Colon adenocarcinoma. Review status: no classification provided. Collection method: in vitro. Allele origin: not applicable. Functional consequence: skipped exon. Not counted in ClinVar's aggregate classification.

Dr. Peter K. Rogan Lab, Western University
No classification provided (evidence only). Condition: Colon adenocarcinoma. Review status: no classification provided. Collection method: in vitro. Allele origin: not applicable. Functional consequence: skipped exon. Not counted in ClinVar's aggregate classification.

Dr. Peter K. Rogan Lab, Western University
No classification provided (evidence only). Condition: Uterine corpus endometrial carcinoma. Review status: no classification provided. Collection method: in vitro. Allele origin: not applicable. Functional consequence: skipped exon. Not counted in ClinVar's aggregate classification.

Dr. Peter K. Rogan Lab, Western University
No classification provided (evidence only). Condition: Uterine corpus endometrial carcinoma. Review status: no classification provided. Collection method: in vitro. Allele origin: not applicable. Functional consequence: skipped exon. Not counted in ClinVar's aggregate classification.

Dr. Peter K. Rogan Lab, Western University
No classification provided (evidence only). Condition: Uterine corpus endometrial carcinoma. Review status: no classification provided. Collection method: in vitro. Allele origin: not applicable. Functional consequence: skipped exon. Not counted in ClinVar's aggregate classification.

Dr. Peter K. Rogan Lab, Western University
No classification provided (evidence only). Condition: Uterine corpus endometrial carcinoma. Review status: no classification provided. Collection method: in vitro. Allele origin: not applicable. Functional consequence: skipped exon. Not counted in ClinVar's aggregate classification.

Dr. Peter K. Rogan Lab, Western University
No classification provided (evidence only). Condition: Uterine corpus endometrial carcinoma. Review status: no classification provided. Collection method: in vitro. Allele origin: not applicable. Functional consequence: skipped exon. Not counted in ClinVar's aggregate classification.

Dr. Peter K. Rogan Lab, Western University
No classification provided (evidence only). Condition: Uterine corpus endometrial carcinoma. Review status: no classification provided. Collection method: in vitro. Allele origin: not applicable. Functional consequence: skipped exon. Not counted in ClinVar's aggregate classification.

Dr. Peter K. Rogan Lab, Western University
No classification provided (evidence only). Condition: Cervical cancer. Review status: no classification provided. Collection method: in vitro. Allele origin: not applicable. Functional consequence: skipped exon. Not counted in ClinVar's aggregate classification.

Dr. Peter K. Rogan Lab, Western University
No classification provided (evidence only). Condition: Cervical cancer. Review status: no classification provided. Collection method: in vitro. Allele origin: not applicable. Functional consequence: skipped exon. Not counted in ClinVar's aggregate classification.

Dr. Peter K. Rogan Lab, Western University
No classification provided (evidence only). Condition: Cervical cancer. Review status: no classification provided. Collection method: in vitro. Allele origin: not applicable. Functional consequence: retained intron. Not counted in ClinVar's aggregate classification.

Dr. Peter K. Rogan Lab, Western University
No classification provided (evidence only). Condition: Cervical cancer. Review status: no classification provided. Collection method: in vitro. Allele origin: not applicable. Functional consequence: skipped exon, retained intron. Not counted in ClinVar's aggregate classification.

Dr. Peter K. Rogan Lab, Western University
No classification provided (evidence only). Condition: Cervical cancer. Review status: no classification provided. Collection method: in vitro. Allele origin: not applicable. Functional consequence: skipped exon. Not counted in ClinVar's aggregate classification.

Dr. Peter K. Rogan Lab, Western University
No classification provided (evidence only). Condition: Cervical cancer. Review status: no classification provided. Collection method: in vitro. Allele origin: not applicable. Functional consequence: skipped exon. Not counted in ClinVar's aggregate classification.

Dr. Peter K. Rogan Lab, Western University
No classification provided (evidence only). Condition: Sarcoma. Review status: no classification provided. Collection method: in vitro. Allele origin: not applicable. Functional consequence: skipped exon. Not counted in ClinVar's aggregate classification.

Dr. Peter K. Rogan Lab, Western University
No classification provided (evidence only). Condition: Sarcoma. Review status: no classification provided. Collection method: in vitro. Allele origin: not applicable. Functional consequence: skipped exon. Not counted in ClinVar's aggregate classification.

Dr. Peter K. Rogan Lab, Western University
No classification provided (evidence only). Condition: Sarcoma. Review status: no classification provided. Collection method: in vitro. Allele origin: not applicable. Functional consequence: skipped exon. Not counted in ClinVar's aggregate classification.

Dr. Peter K. Rogan Lab, Western University
No classification provided (evidence only). Condition: Cholangiocarcinoma. Review status: no classification provided. Collection method: in vitro. Allele origin: not applicable. Functional consequence: skipped exon, retained intron. Not counted in ClinVar's aggregate classification.

Dr. Peter K. Rogan Lab, Western University
No classification provided (evidence only). Condition: Ovarian serous cystadenocarcinoma. Review status: no classification provided. Collection method: in vitro. Allele origin: not applicable. Functional consequence: retained intron. Not counted in ClinVar's aggregate classification.

Dr. Peter K. Rogan Lab, Western University
No classification provided (evidence only). Condition: Gastric cancer. Review status: no classification provided. Collection method: in vitro. Allele origin: not applicable. Functional consequence: retained intron. Not counted in ClinVar's aggregate classification.

Dr. Peter K. Rogan Lab, Western University
No classification provided (evidence only). Condition: Malignant tumor of esophagus. Review status: no classification provided. Collection method: in vitro. Allele origin: not applicable. Functional consequence: skipped exon, retained intron. Not counted in ClinVar's aggregate classification.

Dr. Peter K. Rogan Lab, Western University
No classification provided (evidence only). Condition: Malignant tumor of esophagus. Review status: no classification provided. Collection method: in vitro. Allele origin: not applicable. Functional consequence: skipped exon. Not counted in ClinVar's aggregate classification.

Dr. Peter K. Rogan Lab, Western University
No classification provided (evidence only). Condition: Malignant tumor of esophagus. Review status: no classification provided. Collection method: in vitro. Allele origin: not applicable. Functional consequence: skipped exon. Not counted in ClinVar's aggregate classification.

Dr. Peter K. Rogan Lab, Western University
No classification provided (evidence only). Condition: Malignant tumor of esophagus. Review status: no classification provided. Collection method: in vitro. Allele origin: not applicable. Functional consequence: skipped exon. Not counted in ClinVar's aggregate classification.

Dr. Peter K. Rogan Lab, Western University
No classification provided (evidence only). Condition: Malignant tumor of esophagus. Review status: no classification provided. Collection method: in vitro. Allele origin: not applicable. Functional consequence: skipped exon, retained intron. Not counted in ClinVar's aggregate classification.

Dr. Peter K. Rogan Lab, Western University
No classification provided (evidence only). Condition: Malignant tumor of esophagus. Review status: no classification provided. Collection method: in vitro. Allele origin: not applicable. Functional consequence: skipped exon. Not counted in ClinVar's aggregate classification.

NM_002425.3(MMP10):c.497-2A>G

Gene: MMP10 (matrix metallopeptidase 10; minus strand). Cytogenetic location: 11q22.2.
Variant type: single nucleotide variant.
Coding change: c.497-2A>G on transcript NM_002425.3 (MANE Select); the canonical splice acceptor site of the intron before coding-DNA position 497, A replaced by G.
Molecular consequence: splice acceptor variant.
Genome position (GRCh38, 1-based): chr11:102,778,751, T>C on the plus strand (A>G on the coding strand, the complement: MMP10 is on the minus strand). VCF-style: chr11-102778751-T-C. GRCh37 (hg19) VCF-style: chr11-102649482-T-C.
Other names: NC_000011.9:g.102649482T>C.
Identifiers: ClinVar variation 2642323 (VCV002642323.24), dbSNP rs17860955, ClinGen allele CA6250062.
Genomic context (GRCh38, chr11:102,778,751, plus strand): 5'-TGGGTAGGCATGAGCCAAACTGTGTCCTGGGCCATCAAAAGAGTAAAAGTCTCCATGTTC[T>C]GATAGGGAACAAATTAATGGAAATATAAGTGTTCAGAATTTCTTTTTACCCTGTTCCAAT-3'